The following is an entry in ClinVar:

ClinVar aggregate classification (germline): Uncertain significance (0 of 4 stars; one submission).

Conditions:
Wolff-Parkinson-White pattern. Also called: WPW SYNDROME; Auriculoventricular accessory pathway syndrome; False bundle branch block syndrome; Anomalous ventricular excitation syndrome. Identifiers: MedGen C0043202, MONDO:0008685, OMIM 194200, HP:0001716.

Submission:

Lupski Lab, Baylor-Hopkins CMG, Baylor College of Medicine
Classification: Uncertain significance for Wolff-Parkinson-White pattern. Last evaluated: 2017-07-14. Review status: no assertion criteria provided. Collection method: research. Allele origin: de novo. Affected: yes. Observed: 1 variant allele. Study: Candidate_variants_in_patients_with_ Wolff-Parkinson-White Syndrome.

NM_007013.4(WWP1):c.1879A>T (p.Met627Leu)

Gene: WWP1 (WW domain containing E3 ubiquitin protein ligase 1; plus strand). Cytogenetic location: 8q21.3.
Variant type: single nucleotide variant.
Coding change: c.1879A>T on transcript NM_007013.4 (MANE Select); coding-DNA position 1879, A replaced by T.
Protein change: p.Met627Leu; replaces methionine 627 with leucine.
Molecular consequence: missense variant.
Genome position (GRCh38, 1-based): chr8:86,442,659, A>T. VCF-style: chr8-86442659-A-T. GRCh37 (hg19) VCF-style: chr8-87454888-A-T.
Other names: short protein forms M627L.
Identifiers: ClinVar variation 487621 (VCV000487621.1), dbSNP rs773370868, ClinGen allele CA371438957.